The following is an entry in ClinVar:

ClinVar aggregate classification (germline): Likely benign. Review status: criteria provided, multiple submitters, no conflicts (2 of 4 stars). 2 submissions from 2 submitters: Likely benign (2). Last evaluated 2023-11-06.

Allele frequency attached by ClinVar (database versions not stated): ESP Exome Variant Server 0.00008.
gnomAD v4.1: 35 of 1,581,966 alleles (0.0022%); highest among the groups gnomAD compares: Non-Finnish European, 0.0028%; 1 homozygote.

Submissions (2):

Labcorp Genetics (formerly Invitae), Labcorp
Classification: Likely benign. Last evaluated: 2023-11-06. Review status: criteria provided, single submitter. Criteria: Invitae Variant Classification Sherloc (09022015). Collection method: clinical testing. Allele origin: germline.

CeGaT Center for Human Genetics Tuebingen
Classification: Likely benign. Last evaluated: 2022-09-01. Review status: criteria provided, single submitter. Criteria: CeGaT Center For Human Genetics Tuebingen Variant Classification Criteria Version 2. Collection method: clinical testing. Allele origin: germline. Affected: yes. Observed: 1 variant allele.
Comment: DSCAML1: BP4, BP7

NM_020693.4(DSCAML1):c.153C>A (p.Gly51=)

Gene: DSCAML1 (DS cell adhesion molecule like 1; minus strand). Cytogenetic location: 11q23.3.
Variant type: single nucleotide variant.
Coding change: c.153C>A on transcript NM_020693.4 (MANE Select); coding-DNA position 153, C replaced by A.
Protein change: p.Gly51=; no amino-acid change (glycine 51 retained).
Molecular consequence: synonymous variant. On other transcripts: 5 prime UTR variant (1).
Genome position (GRCh38, 1-based): chr11:117,780,704, G>T on the plus strand (C>A on the coding strand, the complement: DSCAML1 is on the minus strand). VCF-style: chr11-117780704-G-T. GRCh37 (hg19) VCF-style: chr11-117651419-G-T.
Other names: c.153C>A, p.Gly51= (NM_001367904.1); c.-256C>A (NM_001367905.1).
Identifiers: ClinVar variation 2172047 (VCV002172047.28), dbSNP rs374991121, ClinGen allele CA6297640.